The following is an entry in ClinVar:

NM_004409.5(DMPK):c.171del (p.Ile57fs)

Gene: DMPK (DM1 protein kinase; minus strand). Cytogenetic location: 19q13.32.
Variant type: Deletion.
Coding change: c.171del on transcript NM_004409.5 (MANE Select); coding-DNA position 171, one base deleted (C; older notation c.171delC).
Protein change: p.Ile57fs; shifts the reading frame from isoleucine 57.
Molecular consequence: frameshift variant. On other transcripts: 5 prime UTR variant (1).
Genome position (GRCh38, 1-based): chr19:45,779,859, G deleted on the plus strand (C on the coding strand, the reverse complement: DMPK is on the minus strand). VCF-style (leftmost placement, unchanged base first): chr19-45779858-CG-C. GRCh37 (hg19) VCF-style: chr19-46283116-CG-C.
Other names: c.201delC (NM_001081563.2); c.171del, p.Ile57fs (NM_001081560.3, NM_001081562.3, NM_001288766.2 and 5 more transcripts); c.201delC, p.Ile67Metfs (NM_001081563.3); c.249del, p.Ile83fs (NM_001288764.2, NM_001424163.1); c.-320del (NM_001424166.1); short protein forms I67fs, I83fs, I57fs.
Identifiers: ClinVar variation 1878426 (VCV001878426.2), dbSNP rs2513678652, ClinGen allele CA2580097410.

ClinVar aggregate classification (germline): Uncertain significance (1 of 4 stars; one submission).

Submission:

Women's Health and Genetics/Laboratory Corporation of America, LabCorp
Classification: Uncertain significance. Last evaluated: 2024-01-31. Review status: criteria provided, single submitter. Criteria: LabCorp Variant Classification Summary - May 2015. Collection method: clinical testing. Allele origin: germline.
Comment: Variant summary: DMPK c.201delC (p.Ile67MetfsX3) results in a premature termination codon, predicted to cause a truncation of the encoded protein or absence of the protein due to nonsense mediated decay, however the molecular mechanism of disease attributed to DMPK is gain-of-function. The variant was absent in 249662 control chromosomes. The available data on variant occurrences in the general population are insufficient to allow any conclusion about variant significance. To our knowledge, no occurrence of c.201delC in individuals affected with Steinert Myotonic Dystrophy Syndrome and no experimental evidence demonstrating its impact on protein function have been reported. ClinVar contains an entry for this variant (Variation ID: 1878426). Based on the evidence outlined above, the variant was classified as uncertain significance.